The following is an entry in ClinVar:

NM_032043.3(BRIP1):c.2380-4T>C

Gene: BRIP1 (BRCA1 interacting DNA helicase 1; minus strand). Cytogenetic location: 17q23.2.
Variant type: single nucleotide variant.
Coding change: c.2380-4T>C on transcript NM_032043.3 (MANE Select); 4 bases into the intron before coding-DNA position 2380, T replaced by C.
Molecular consequence: intron variant.
Genome position (GRCh38, 1-based): chr17:61,716,067, A>G on the plus strand (T>C on the coding strand, the complement: BRIP1 is on the minus strand). VCF-style: chr17-61716067-A-G. GRCh37 (hg19) VCF-style: chr17-59793428-A-G.
Other names: c.2380-4T>C (NM_032043.2).
Identifiers: ClinVar variation 1124088 (VCV001124088.18), dbSNP rs2144384520, ClinGen allele CA2499224789.
Genomic context (GRCh38, chr17:61,716,067, plus strand): 5'-AGGTAGAAGACCTCTCAATTTTGAATGGTGGTCATTGTATTGTCGTTTTAGTTCAACCTA[A>G]TAATTTTAAAATATATTTAAAAAATTAGTAGATAATTAAAGCTCATTTTAAACATCATAT-3'

ClinVar aggregate classification (germline): Conflicting classifications of pathogenicity. Review status: criteria provided, conflicting classifications (1 of 4 stars). 5 submissions from 5 submitters: Uncertain significance (1); Likely benign (4). Last evaluated 2025-07-23.

Conditions:
Hereditary cancer-predisposing syndrome. Also called: Neoplastic Syndromes, Hereditary; Tumor predisposition; Hereditary Cancer Syndrome; Hereditary neoplastic syndrome. Identifiers: Orphanet 140162, MedGen C0027672, MeSH D009386, MONDO:0015356.
Familial cancer of breast. Also called: Hereditary breast cancer; BREAST CANCER, FAMILIAL; hereditary breast carcinoma. Identifiers: Orphanet 227535, MedGen C0346153, MONDO:0016419, OMIM 114480. Disease mechanism: loss of function.
Fanconi anemia complementation group J. Also called: BRIP1-Related Fanconi Anemia. Identifiers: Orphanet 84, MedGen C1836860, MONDO:0012187, OMIM 609054.

Allele frequency attached by ClinVar (database versions not stated): gnomAD exomes below 0.00001.
gnomAD v4.1: 2 of 1,530,722 alleles (0.00013%); highest among the groups gnomAD compares: Middle Eastern, 0.017%; no homozygotes.

Submissions (5):

Quest Diagnostics Nichols Institute San Juan Capistrano
Classification: Uncertain significance. Last evaluated: 2025-07-23. Review status: criteria provided, single submitter. Criteria: Quest Diagnostics criteria. Collection method: clinical testing. Allele origin: unknown.
Comment: The BRIP1 c.2380-4T>C variant has been reported in the published literature in an individual with breast cancer (PMID: 32658311 (2021)). This variant has not been reported in large, multi-ethnic general populations (Genome Aggregation Database). Analysis of this variant using software algorithms for the prediction of the effect of nucleotide changes on splicing yielded predictions that this variant does not affect BRIP1 mRNA splicing. Based on the available information, we are unable to determine the clinical significance of this variant.

Center for Genomic Medicine, Rigshospitalet, Copenhagen University Hospital
Classification: Likely benign. Last evaluated: 2025-03-04. Review status: criteria provided, single submitter. Criteria: ACMG Guidelines, 2015. Collection method: clinical testing. Allele origin: germline.

Myriad Genetics, Inc.
Classification: Likely benign for Familial cancer of breast. Last evaluated: 2024-09-04. Review status: criteria provided, single submitter. Criteria: Myriad Autosomal Dominant, Autosomal Recessive and X-Linked Classification Criteria (2023). Collection method: clinical testing. Allele origin: unknown.
Comment: This variant is considered likely benign. This variant is intronic and is not expected to impact mRNA splicing.

Labcorp Genetics (formerly Invitae), Labcorp
Classification: Likely benign for Familial cancer of breast; Fanconi anemia complementation group J. Last evaluated: 2023-12-31. Review status: criteria provided, single submitter. Criteria: Invitae Variant Classification Sherloc (09022015). Collection method: clinical testing. Allele origin: germline.

Ambry Genetics
Classification: Likely benign for Hereditary cancer-predisposing syndrome. Last evaluated: 2023-04-07. Review status: criteria provided, single submitter. Criteria: Ambry Variant Classification Scheme 2023. Collection method: clinical testing. Allele origin: germline.

Literature cited by the submitters: PubMed 32658311 (cited by Quest Diagnostics Nichols Institute San Juan Capistrano).